The following is an entry in ClinVar:

ClinVar aggregate classification (germline): Conflicting classifications of pathogenicity. Review status: criteria provided, conflicting classifications (1 of 4 stars). 3 submissions from 3 submitters: Uncertain significance (2); Likely benign (1). Last evaluated 2025-08-29.

Conditions:
Hereditary cancer-predisposing syndrome. Also called: Tumor predisposition; Neoplastic Syndromes, Hereditary; Hereditary neoplastic syndrome; Hereditary Cancer Syndrome. Identifiers: Orphanet 140162, MedGen C0027672, MeSH D009386, MONDO:0015356.
Hereditary breast ovarian cancer syndrome. Also called: Hereditary breast and ovarian cancer syndrome; Breast and ovarian cancer; Hereditary breast and/or ovarian cancer syndrome; Hereditary breast and ovarian cancer; BRCA1- and BRCA2-Associated Hereditary Breast and Ovarian Cancer; Hereditary breast and ovarian cancer syndrome (HBOC). Identifiers: Orphanet 145, MedGen C0677776, MeSH D061325, MONDO:0003582. Disease mechanism: loss of function.

Submissions (3):

Labcorp Genetics (formerly Invitae), Labcorp
Classification: Uncertain significance for Hereditary breast ovarian cancer syndrome. Last evaluated: 2025-08-29. Review status: criteria provided, single submitter. Criteria: Invitae Variant Classification Sherloc (09022015). Collection method: clinical testing. Allele origin: germline.
Comment: This sequence change replaces asparagine, which is neutral and polar, with lysine, which is basic and polar, at codon 635 of the BRCA1 protein (p.Asn635Lys). This variant is not present in population databases (gnomAD no frequency). This variant has not been reported in the literature in individuals affected with BRCA1-related conditions. ClinVar contains an entry for this variant (Variation ID: 849828). Invitae Evidence Modeling of protein sequence and biophysical properties (such as structural, functional, and spatial information, amino acid conservation, physicochemical variation, residue mobility, and thermodynamic stability) indicates that this missense variant is expected to disrupt BRCA1 protein function with a positive predictive value of 80%. In summary, the available evidence is currently insufficient to determine the role of this variant in disease. Therefore, it has been classified as a Variant of Uncertain Significance.

Ambry Genetics
Classification: Uncertain significance for Hereditary cancer-predisposing syndrome. Last evaluated: 2024-09-01. Review status: criteria provided, single submitter. Criteria: Ambry Variant Classification Scheme 2023. Collection method: clinical testing. Allele origin: germline.
Comment: The p.N635K variant (also known as c.1905T>G), located in coding exon 9 of the BRCA1 gene, results from a T to G substitution at nucleotide position 1905. The asparagine at codon 635 is replaced by lysine, an amino acid with similar properties. This amino acid position is not well conserved in available vertebrate species. In addition, the in silico prediction for this alteration is inconclusive. Since supporting evidence is limited at this time, the clinical significance of this alteration remains unclear.

University of Washington Department of Laboratory Medicine, University of Washington
Classification: Likely benign for Hereditary cancer-predisposing syndrome. Last evaluated: 2023-03-23. Review status: criteria provided, single submitter. Criteria: Dines et al. (Genet Med. 2020). Collection method: curation. Allele origin: germline.
Comment: Missense variant in a coldspot region where missense variants are very unlikely to be pathogenic (PMID:31911673).

BRCA1 coldspot (exon 11 using historical exon numbering). Reclassification based on statistical prior probability

NM_007294.4(BRCA1):c.1905T>G (p.Asn635Lys)

Gene: BRCA1 (BRCA1 DNA repair associated; minus strand). Cytogenetic location: 17q21.31.
Variant type: single nucleotide variant.
Coding change: c.1905T>G on transcript NM_007294.4 (MANE Select); coding-DNA position 1905, T replaced by G.
Protein change: p.Asn635Lys; replaces asparagine 635 with lysine.
Molecular consequence: missense variant. On other transcripts: intron variant (137).
Genome position (GRCh38, 1-based): chr17:43,093,626, A>C on the plus strand (T>G on the coding strand, the complement: BRCA1 is on the minus strand). VCF-style: chr17-43093626-A-C. GRCh37 (hg19) VCF-style: chr17-41245643-A-C.
Other names: c.1692T>G, p.Asn564Lys (NM_001407571.1, NM_001407853.1, NM_001407894.1 and 9 more transcripts); c.1905T>G, p.Asn635Lys (NM_001407581.1, NM_001407582.1, NM_001407583.1 and 30 more transcripts); c.1902T>G, p.Asn634Lys (NM_001407587.1, NM_001407590.1, NM_001407591.1 and 22 more transcripts); c.1896T>G, p.Asn632Lys (NM_001407646.1, NM_001407647.1); c.1782T>G, p.Asn594Lys (NM_001407648.1, NM_001407664.1, NM_001407665.1 and 19 more transcripts); c.1779T>G, p.Asn593Lys (NM_001407649.1, NM_001407670.1, NM_001407671.1 and 11 more transcripts); c.1827T>G, p.Asn609Lys (NM_001407653.1, NM_001407654.1, NM_001407655.1 and 4 more transcripts); c.1824T>G, p.Asn608Lys (NM_001407659.1, NM_001407660.1, NM_001407661.1 and 1 more transcripts); and 40 more; short protein forms N588K, N635K, N523K, N546K, N632K, N507K, N508K, N524K.
Identifiers: ClinVar variation 849828 (VCV000849828.24), dbSNP rs369373293, ClinGen allele CA10598214.